The following is an entry in ClinVar:

NM_002465.4(MYBPC1):c.1423A>G (p.Ile475Val)

Gene: MYBPC1 (myosin binding protein C1; plus strand). Cytogenetic location: 12q23.2.
Variant type: single nucleotide variant.
Coding change: c.1423A>G on transcript NM_002465.4 (MANE Select); coding-DNA position 1423, A replaced by G.
Protein change: p.Ile475Val; replaces isoleucine 475 with valine.
Molecular consequence: missense variant.
Genome position (GRCh38, 1-based): chr12:101,651,290, A>G. VCF-style: chr12-101651290-A-G. GRCh37 (hg19) VCF-style: chr12-102045068-A-G.
Other names: c.1348A>G, p.Ile450Val (NM_001254718.3, NM_001254719.3, NM_206820.4 and 1 more transcripts); c.1312A>G, p.Ile438Val (NM_001254720.3); c.1291A>G, p.Ile431Val (NM_001254721.3, NM_001404676.1, NM_001404678.1); c.1270A>G, p.Ile424Val (NM_001254722.3, NM_001404680.1); c.1309A>G, p.Ile437Val (NM_001254723.3); c.1423A>G, p.Ile475Val (NM_001404675.1, NM_206819.4); c.1213A>G, p.Ile405Val (NM_001404677.1, NM_001404679.1, NM_001404681.1); short protein forms I431V, I437V, I450V, I424V, I475V, I438V, I405V.
Identifiers: ClinVar variation 882508 (VCV000882508.6), dbSNP rs200949332, ClinGen allele CA6744791.

ClinVar aggregate classification (germline): Benign (1 of 4 stars; one submission).

Conditions:
Arthrogryposis, distal, type 1B. Identifiers: Orphanet 1146, MedGen C3280526, MONDO:0013698, OMIM 614335.

Allele frequency attached by ClinVar (database versions not stated): gnomAD 0.00001 and 0.00012; TOPMed 0.00002; gnomAD exomes 0.00015 and 0.00038; ExAC 0.00044; 1000 Genomes Project 30x 0.00094; 1000 Genomes Project 0.00120.
gnomAD v4.1: 250 of 1,614,134 alleles (0.015%); highest among the groups gnomAD compares: South Asian, 0.25%; 6 homozygotes.

Submission:

Illumina Laboratory Services, Illumina
Classification: Benign for Arthrogryposis, distal, type 1B. Last evaluated: 2018-01-13. Review status: criteria provided, single submitter. Criteria: ICSL Variant Classification Criteria 13 December 2019. Collection method: clinical testing. Allele origin: germline.
Comment: This variant was observed in the ICSL laboratory as part of a predisposition screen in an ostensibly healthy population. It had not been previously curated by ICSL or reported in the Human Gene Mutation Database (HGMD: prior to June 1st, 2018), and was therefore a candidate for classification through an automated scoring system. Utilizing variant allele frequency, disease prevalence and penetrance estimates, and inheritance mode, an automated score was calculated to assess if this variant is too frequent to cause the disease. Based on the score and internal cut-off values, a variant classified as benign is not then subjected to further curation. The score for this variant resulted in a classification of benign for this disease.